The following is an entry in ClinVar:

NM_001110556.2(FLNA):c.6303G>A (p.Thr2101=)

Gene: FLNA (filamin A; minus strand). Cytogenetic location: Xq28.
Variant type: single nucleotide variant.
Coding change: c.6303G>A on transcript NM_001110556.2 (MANE Select); coding-DNA position 6303, G replaced by A.
Protein change: p.Thr2101=; no amino-acid change (threonine 2101 retained).
Molecular consequence: synonymous variant.
Genome position (GRCh38, 1-based): chrX:154,352,848, C>T on the plus strand (G>A on the coding strand, the complement: FLNA is on the minus strand). VCF-style: chrX-154352848-C-T. GRCh37 (hg19) VCF-style: chrX-153581216-C-T.
Other names: c.6279G>A, p.Thr2093= (NM_001456.4).
Identifiers: ClinVar variation 772368 (VCV000772368.35), dbSNP rs372978023, ClinGen allele CA10560120.

ClinVar aggregate classification (germline): Benign/Likely benign. Review status: criteria provided, multiple submitters, no conflicts (2 of 4 stars). 4 submissions from 4 submitters: Benign (1); Likely benign (3). Last evaluated 2026-01-01.

Conditions:
Heterotopia, periventricular, X-linked dominant (PVNH1). Also called: PERIVENTRICULAR NODULAR HETEROTOPIA 4; HETEROTOPIA, PERIVENTRICULAR, 1; PERIVENTRICULAR NODULAR HETEROTOPIA 1; X-linked periventricular heterotopia. Identifiers: Orphanet 2149, Orphanet 82004, MedGen C1848213, MONDO:0010233, OMIM 300049.
Oto-palato-digital syndrome, type II (OPD2). Also called: OPD II SYNDROME; Otopalatodigital Syndrome, Type II; FACIOPALATOOSSEOUS SYNDROME; Otopalatodigital Syndrome Type 2 (FLNA-OPD2). Identifiers: Orphanet 669, Orphanet 90652, MedGen C1844696, MONDO:0010571, OMIM 304120.
Frontometaphyseal dysplasia (FMD1). Identifiers: Orphanet 1826, MedGen C0265293, MONDO:0015942.
Melnick-Needles syndrome (MNS). Also called: MELNICK-NEEDLES OSTEODYSPLASTY; OSTEODYSPLASTY OF MELNICK AND NEEDLES; Melnick-Needles Syndrome (FLNA-MNS). Identifiers: Orphanet 2484, MedGen C0025237, MONDO:0010650, OMIM 309350.
Familial thoracic aortic aneurysm and aortic dissection (TAAD). Also called: Thoracic aortic aneurysms and dissections. Identifiers: Orphanet 91387, MedGen C4707243, MONDO:0019625.

Allele frequency attached by ClinVar (database versions not stated): gnomAD exomes 0.00004 and 0.00007; TOPMed 0.00005; gnomAD 0.00006 and 0.00007; ESP Exome Variant Server 0.00010; ExAC 0.00013.
gnomAD v4.1: 57 of 1,210,057 alleles (0.0047%); highest among the groups gnomAD compares: South Asian, 0.023%; no homozygotes.

Submissions (4):

CeGaT Center for Human Genetics Tuebingen
Classification: Likely benign. Last evaluated: 2026-01-01. Review status: criteria provided, single submitter. Criteria: CeGaT Center For Human Genetics Tuebingen Variant Classification Criteria Version 2. Collection method: clinical testing. Allele origin: germline. Affected: yes. Observed: 2 variant alleles.
Comment: FLNA: BP4, BP7, BS2

Labcorp Genetics (formerly Invitae), Labcorp
Classification: Benign for Oto-palato-digital syndrome, type II; Heterotopia, periventricular, X-linked dominant; Frontometaphyseal dysplasia; Melnick-Needles syndrome. Last evaluated: 2025-11-17. Review status: criteria provided, single submitter. Criteria: Invitae Variant Classification Sherloc (09022015). Collection method: clinical testing. Allele origin: germline.

Blueprint Genetics
Classification: Likely benign. Last evaluated: 2024-09-13. Review status: criteria provided, single submitter. Criteria: ACMG Guidelines, 2015. Collection method: clinical testing. Allele origin: germline.

Ambry Genetics
Classification: Likely benign for Familial thoracic aortic aneurysm and aortic dissection. Last evaluated: 2019-01-04. Review status: criteria provided, single submitter. Criteria: Ambry Variant Classification Scheme 2023. Collection method: clinical testing. Allele origin: germline.